The following is an entry in ClinVar:

ClinVar aggregate classification (germline): Benign/Likely benign. Review status: criteria provided, multiple submitters, no conflicts (2 of 4 stars). 5 submissions from 5 submitters: Benign (1); Likely benign (4). Last evaluated 2026-09-01.

Conditions:
BMPR1A-related disorder. Also called: BMPR1A-related condition.
Juvenile polyposis syndrome (JPS). Identifiers: Orphanet 2929, MedGen C0345893, MONDO:0017380, OMIM 174900.
Hereditary cancer-predisposing syndrome. Also called: Neoplastic Syndromes, Hereditary; Tumor predisposition; Hereditary Cancer Syndrome; Hereditary neoplastic syndrome. Identifiers: Orphanet 140162, MedGen C0027672, MeSH D009386, MONDO:0015356.

Allele frequency attached by ClinVar (database versions not stated): gnomAD exomes below 0.00001.
gnomAD v4.1: 3 of 1,614,130 alleles (0.00019%); highest among the groups gnomAD compares: Non-Finnish European, 0.00025%; no homozygotes.

Submissions (5):

PreventionGenetics, part of Exact Sciences
Classification: Likely benign for BMPR1A-related condition. Last evaluated: 2026-09-01. Review status: criteria provided, single submitter. Criteria: ACMG Guidelines, 2015. Collection method: clinical testing. Allele origin: germline.
Comment: This variant is classified as likely benign based on ACMG/AMP sequence variant interpretation guidelines (Richards et al. 2015 PMID: 25741868, with internal and published modifications).

Labcorp Genetics (formerly Invitae), Labcorp
Classification: Likely benign for Juvenile polyposis syndrome. Last evaluated: 2025-09-04. Review status: criteria provided, single submitter. Criteria: Invitae Variant Classification Sherloc (09022015). Collection method: clinical testing. Allele origin: germline.

Myriad Genetics, Inc.
Classification: Benign for Juvenile polyposis syndrome. Last evaluated: 2024-08-05. Review status: criteria provided, single submitter. Criteria: Myriad Autosomal Dominant, Autosomal Recessive and X-Linked Classification Criteria (2023). Collection method: clinical testing. Allele origin: unknown.
Comment: This variant is considered benign. This variant is a silent/synonymous amino acid change and it is not expected to impact splicing.

Color Diagnostics, LLC DBA Color Health
Classification: Likely benign for Hereditary cancer-predisposing syndrome. Last evaluated: 2023-12-05. Review status: criteria provided, single submitter. Criteria: ACMG Guidelines, 2015. Collection method: clinical testing. Allele origin: germline.

Ambry Genetics
Classification: Likely benign for Hereditary cancer-predisposing syndrome. Last evaluated: 2022-07-25. Review status: criteria provided, single submitter. Criteria: Ambry Variant Classification Scheme 2023. Collection method: clinical testing. Allele origin: germline.

NM_004329.3(BMPR1A):c.726A>G (p.Lys242=)

Gene: BMPR1A (bone morphogenetic protein receptor type 1A; plus strand). Cytogenetic location: 10q23.2.
Variant type: single nucleotide variant.
Coding change: c.726A>G on transcript NM_004329.3 (MANE Select); coding-DNA position 726, A replaced by G.
Protein change: p.Lys242=; no amino-acid change (lysine 242 retained).
Molecular consequence: synonymous variant.
Genome position (GRCh38, 1-based): chr10:86,917,184, A>G. VCF-style: chr10-86917184-A-G. GRCh37 (hg19) VCF-style: chr10-88676941-A-G.
Identifiers: ClinVar variation 232440 (VCV000232440.21), dbSNP rs876659766, ClinGen allele CA10578885.